The following is an entry in ClinVar:

NM_138387.4(G6PC3):c.413G>A (p.Arg138His)

Gene: G6PC3 (glucose-6-phosphatase catalytic subunit 3; plus strand). Cytogenetic location: 17q21.31.
Variant type: single nucleotide variant.
Coding change: c.413G>A on transcript NM_138387.4 (MANE Select); coding-DNA position 413, G replaced by A.
Protein change: p.Arg138His; replaces arginine 138 with histidine.
Molecular consequence: missense variant.
Genome position (GRCh38, 1-based): chr17:44,074,767, G>A. VCF-style: chr17-44074767-G-A. GRCh37 (hg19) VCF-style: chr17-42152135-G-A.
Other names: c.413G>A, p.Arg138His (NM_001319945.2); c.68G>A, p.Arg23His (NM_001384165.1, NM_001384166.1, NM_001384167.1 and 1 more transcripts); short protein forms R138H, R23H.
Identifiers: ClinVar variation 966781 (VCV000966781.9), dbSNP rs763535974, ClinGen allele CA8596005.

ClinVar aggregate classification (germline): Uncertain significance. Review status: criteria provided, multiple submitters, no conflicts (2 of 4 stars). 3 submissions from 3 submitters: Uncertain significance (3). Last evaluated 2024-10-04.

Conditions:
Autosomal recessive severe congenital neutropenia due to G6PC3 deficiency. Also called: G6PC3 Deficiency; NEUTROPENIA, SEVERE CONGENITAL, 4, AUTOSOMAL RECESSIVE. Identifiers: Orphanet 331176, MedGen C2751630, MONDO:0012930, OMIM 612541.

Allele frequency attached by ClinVar (database versions not stated): ExAC 0.00002; gnomAD 0.00003; gnomAD exomes 0.00003; TOPMed 0.00006.

Submissions (3):

GeneDx
Classification: Uncertain significance. Last evaluated: 2024-10-04. Review status: criteria provided, single submitter. Criteria: GeneDx Variant Classification Process June 2021. Collection method: clinical testing. Allele origin: germline. Affected: yes.
Comment: Reported in a pediatric patient with autoimmune CNS disease; however, detailed clinical and segregation information were not provided (PMID: 35960392); In silico analysis indicates that this missense variant does not alter protein structure/function; This variant is associated with the following publications: (PMID: 35960392)

Blueprint Genetics
Classification: Uncertain significance. Last evaluated: 2024-08-27. Review status: criteria provided, single submitter. Criteria: ACMG Guidelines, 2015. Collection method: clinical testing. Allele origin: germline.

Labcorp Genetics (formerly Invitae), Labcorp
Classification: Uncertain significance for Autosomal recessive severe congenital neutropenia due to G6PC3 deficiency. Last evaluated: 2022-10-23. Review status: criteria provided, single submitter. Criteria: Invitae Variant Classification Sherloc (09022015). Collection method: clinical testing. Allele origin: germline.
Comment: This sequence change replaces arginine, which is basic and polar, with histidine, which is basic and polar, at codon 138 of the G6PC3 protein (p.Arg138His). This variant is present in population databases (rs763535974, gnomAD 0.03%). This variant has not been reported in the literature in individuals affected with G6PC3-related conditions. ClinVar contains an entry for this variant (Variation ID: 966781). Advanced modeling of protein sequence and biophysical properties (such as structural, functional, and spatial information, amino acid conservation, physicochemical variation, residue mobility, and thermodynamic stability) performed at Invitae indicates that this missense variant is not expected to disrupt G6PC3 protein function. In summary, the available evidence is currently insufficient to determine the role of this variant in disease. Therefore, it has been classified as a Variant of Uncertain Significance.